The following is an entry in ClinVar:

ClinVar aggregate classification (germline): Uncertain significance (1 of 4 stars; one submission).

gnomAD v4.1: 3 of 1,613,464 alleles (0.00019%); highest among the groups gnomAD compares: Middle Eastern, 0.017%; no homozygotes.

Submission:

Labcorp Genetics (formerly Invitae), Labcorp
Classification: Uncertain significance. Last evaluated: 2024-04-22. Review status: criteria provided, single submitter. Criteria: Invitae Variant Classification Sherloc (09022015). Collection method: clinical testing. Allele origin: germline.
Comment: This sequence change replaces glutamic acid, which is acidic and polar, with glutamine, which is neutral and polar, at codon 674 of the FOXP1 protein (p.Glu674Gln). This variant is not present in population databases (gnomAD no frequency). This variant has not been reported in the literature in individuals affected with FOXP1-related conditions. ClinVar contains an entry for this variant (Variation ID: 1717962). Advanced modeling of protein sequence and biophysical properties (such as structural, functional, and spatial information, amino acid conservation, physicochemical variation, residue mobility, and thermodynamic stability) has been performed at Invitae for this missense variant, however the output from this modeling did not meet the statistical confidence thresholds required to predict the impact of this variant on FOXP1 protein function. In summary, the available evidence is currently insufficient to determine the role of this variant in disease. Therefore, it has been classified as a Variant of Uncertain Significance.

NM_001349338.3(FOXP1):c.2020G>C (p.Glu674Gln)

Gene: FOXP1 (forkhead box P1; minus strand). Cytogenetic location: 3p13.
Variant type: single nucleotide variant.
Coding change: c.2020G>C on transcript NM_001349338.3 (MANE Select); coding-DNA position 2020, G replaced by C.
Protein change: p.Glu674Gln; replaces glutamic acid 674 with glutamine.
Molecular consequence: missense variant. On other transcripts: non-coding transcript variant (2).
Genome position (GRCh38, 1-based): chr3:70,959,261, C>G on the plus strand (G>C on the coding strand, the complement: FOXP1 is on the minus strand). VCF-style: chr3-70959261-C-G. GRCh37 (hg19) VCF-style: chr3-71008412-C-G.
Other names: c.2017G>C, p.Glu673Gln (NM_001244808.3, NM_001349341.3); c.2068G>C, p.Glu690Gln (NM_001244810.2); c.1792G>C, p.Glu598Gln (NM_001244812.3); c.1720G>C, p.Glu574Gln (NM_001244813.3, NM_001244815.2, NM_001349342.3); c.2020G>C, p.Glu674Gln (NM_001244814.3, NM_001244816.2, NM_001349340.3 and 1 more transcripts); c.1717G>C, p.Glu573Gln (NM_001349337.2, NM_001349343.3, NM_001349344.3 and 1 more transcripts); short protein forms E573Q, E574Q, E598Q, E673Q, E674Q, E690Q.
Identifiers: ClinVar variation 1717962 (VCV001717962.5), dbSNP rs368167189, ClinGen allele CA76514394.
Genomic context (GRCh38, chr3:70,959,261, plus strand): 5'-TTTCCTTTTTCCAATCTTCATTCTCGGGGTTGGCCCGCCCCGATAGTCACTCCATGTCCT[C>G]GTTTACTGGTTCATCTTCGTAATCTCTGTCATGGTCAAAATCTGGACTGTGGTTGGCTGT-3'
Protein context (NP_001336267.1, residues 664-677): DRDYEDEPVN[Glu674Gln]DME